The following is an entry in ClinVar:

ClinVar aggregate classification (germline): Likely pathogenic (1 of 4 stars; one submission).

Conditions:
Ritscher-Schinzel syndrome 1 (RTSC1). Identifiers: Orphanet 7, MedGen C4551776, MONDO:0009073, OMIM 220210.
Hereditary spastic paraplegia 8 (SPG8). Also called: SPASTIC PARAPLEGIA 8, AUTOSOMAL DOMINANT. Identifiers: Orphanet 100989, MedGen C1863704, MONDO:0011339, OMIM 603563.

Submission:

Labcorp Genetics (formerly Invitae), Labcorp
Classification: Likely pathogenic for Dandy-Walker like malformation with atrioventricular septal defect; Spastic paraplegia 8. Last evaluated: 2017-10-13. Review status: criteria provided, single submitter. Criteria: Invitae Variant Classification Sherloc (09022015). Collection method: clinical testing. Allele origin: germline.
Comment: This sequence change affects an acceptor splice site in intron 9 of the WASHC5 gene. It is expected to disrupt RNA splicing and likely results in an absent or disrupted protein product. This variant is not present in population databases (ExAC no frequency). This variant has not been reported in the literature in individuals with WASHC5-related disease. Algorithms developed to predict the effect of sequence changes on RNA splicing suggest that this variant may disrupt the consensus splice site, but this prediction has not been confirmed by published transcriptional studies. Donor and acceptor splice site variants typically lead to a loss of protein function (PMID: 16199547), and loss-of-function variants in WASHC5 are known to be pathogenic (PMID: 24065355). In summary, the currently available evidence indicates that the variant is pathogenic, but additional data are needed to prove that conclusively. Therefore, this variant has been classified as Likely Pathogenic.

Literature cited by the submitters: PubMed 24065355.

NM_014846.4(WASHC5):c.1151-2A>G

Gene: WASHC5 (WASH complex subunit 5; minus strand). Cytogenetic location: 8q24.13.
Variant type: single nucleotide variant.
Coding change: c.1151-2A>G on transcript NM_014846.4 (MANE Select); the canonical splice acceptor site of the intron before coding-DNA position 1151, A replaced by G.
Molecular consequence: splice acceptor variant.
Genome position (GRCh38, 1-based): chr8:125,067,721, T>C on the plus strand (A>G on the coding strand, the complement: WASHC5 is on the minus strand). VCF-style: chr8-125067721-T-C. GRCh37 (hg19) VCF-style: chr8-126079963-T-C.
Other names: c.707-2A>G (NM_001330609.2).
Identifiers: ClinVar variation 570582 (VCV000570582.1), dbSNP rs1563627853, ClinGen allele CA372193990.